The following is an entry in ClinVar:

NM_020320.5(RARS2):c.1282G>A (p.Gly428Arg)

Gene: RARS2 (arginyl-tRNA synthetase 2, mitochondrial; minus strand). Cytogenetic location: 6q15.
Variant type: single nucleotide variant.
Coding change: c.1282G>A on transcript NM_020320.5 (MANE Select); coding-DNA position 1282, G replaced by A.
Protein change: p.Gly428Arg; replaces glycine 428 with arginine.
Molecular consequence: missense variant. On other transcripts: non-coding transcript variant (23).
Genome position (GRCh38, 1-based): chr6:87,518,847, C>T on the plus strand (G>A on the coding strand, the complement: RARS2 is on the minus strand). VCF-style: chr6-87518847-C-T. GRCh37 (hg19) VCF-style: chr6-88228565-C-T.
Other names: c.757G>A, p.Gly253Arg (NM_001318785.2, NM_001350506.2, NM_001350507.2 and 4 more transcripts); c.1282G>A, p.Gly428Arg (NM_001350505.2); short protein forms G428R, G253R.
Identifiers: ClinVar variation 802249 (VCV000802249.3), dbSNP rs764875815, ClinGen allele CA3916339.
Genomic context (GRCh38, chr6:87,518,847, plus strand): 5'-AAACAAAAGGGCCTCACAGGTAGGAGTCTTAACAGACCTGAATAATGAGTGCTGCGAGCC[C>T]GACCCTCTCTGCAGTCTCTTGTGGGTTCTTGAGTTCTTTAGTTGCTGAAACAGACAAAGG-3'
Protein context (NP_064716.2, residues 418-438): KNPQETAERV[Gly428Arg]LAALIIQDFK

ClinVar aggregate classification (germline): Conflicting classifications of pathogenicity. Review status: criteria provided, conflicting classifications (1 of 4 stars). 2 submissions from 2 submitters: Likely pathogenic (1); Uncertain significance (1). Last evaluated 2024-03-06.

Conditions:
Pontocerebellar hypoplasia type 6 (PCH6). Identifiers: Orphanet 166073, MedGen C1969084, MONDO:0012683, OMIM 611523.

Allele frequency attached by ClinVar (database versions not stated): gnomAD exomes below 0.00001 and 0.00001; TOPMed below 0.00001; ExAC 0.00001; gnomAD 0.00001.
gnomAD v4.1: 7 of 1,613,872 alleles (0.00043%); highest among the groups gnomAD compares: African/African-American, 0.0027%; no homozygotes.

Submissions (2):

Women's Health and Genetics/Laboratory Corporation of America, LabCorp
Classification: Uncertain significance. Last evaluated: 2024-03-06. Review status: criteria provided, single submitter. Criteria: LabCorp Variant Classification Summary - May 2015. Collection method: clinical testing. Allele origin: germline.
Comment: Variant summary: RARS2 c.1282G>A (p.Gly428Arg) results in a non-conservative amino acid change located in the Arginyl-tRNA synthetase, catalytic core domain (IPR035684) of the encoded protein sequence. Five of five in-silico tools predict a damaging effect of the variant on protein function. The variant allele was found at a frequency of 8e-06 in 251458 control chromosomes. The available data on variant occurrences in the general population are insufficient to allow any conclusion about variant significance. To our knowledge, no occurrence of c.1282G>A in individuals affected with Pontocerebellar Hypoplasia, Type 6 and no experimental evidence demonstrating its impact on protein function have been reported. ClinVar contains an entry for this variant (Variation ID: 802249). Based on the evidence outlined above, the variant was classified as uncertain significance.

Mendelics
Classification: Likely pathogenic for Pontocerebellar hypoplasia type 6. Last evaluated: 2019-05-28. Review status: criteria provided, single submitter. Criteria: Mendelics Assertion Criteria 2017. Collection method: clinical testing. Allele origin: unknown.